The following is an entry in ClinVar:

ClinVar aggregate classification (germline): Uncertain significance (1 of 4 stars; one submission).

Conditions:
Inborn genetic diseases. Identifiers: MedGen C0950123, MeSH D030342.

Submission:

Ambry Genetics
Classification: Uncertain significance for Inborn genetic diseases. Last evaluated: 2025-02-07. Review status: criteria provided, single submitter. Criteria: Ambry Variant Classification Scheme 2023. Collection method: clinical testing. Allele origin: germline.
Comment: The p.K265E variant (also known as c.793A>G), located in coding exon 7 of the USB1 gene, results from an A to G substitution at nucleotide position 793. The lysine at codon 265 is replaced by glutamic acid, an amino acid with similar properties. This amino acid position is conserved. In addition, this alteration is predicted to be tolerated by in silico analysis. Based on the available evidence, the clinical significance of this variant remains unclear.

NM_024598.4(USB1):c.793A>G (p.Lys265Glu)

Gene: USB1 (U6 snRNA biogenesis phosphodiesterase 1; plus strand). Cytogenetic location: 16q21.
Variant type: single nucleotide variant.
Coding change: c.793A>G on transcript NM_024598.4 (MANE Select); coding-DNA position 793, A replaced by G.
Protein change: p.Lys265Glu; replaces lysine 265 with glutamic acid.
Molecular consequence: missense variant.
Genome position (GRCh38, 1-based): chr16:58,020,240, A>G. VCF-style: chr16-58020240-A-G. GRCh37 (hg19) VCF-style: chr16-58054144-A-G.
Other names: c.739A>G, p.Lys247Glu (NM_001195302.2); c.640A>G, p.Lys214Glu (NM_001330568.2); short protein forms K265E, K214E, K247E.
Identifiers: ClinVar variation 3813891 (VCV003813891.1).